The following is an entry in ClinVar:

ClinVar aggregate classification (germline): Uncertain significance (1 of 4 stars; one submission).

Submission:

GeneDx
Classification: Uncertain significance. Last evaluated: 2022-08-30. Review status: criteria provided, single submitter. Criteria: GeneDx Variant Classification Process June 2021. Collection method: clinical testing. Allele origin: germline. Affected: yes.
Comment: Not observed at significant frequency in large population cohorts (gnomAD); Frameshift variant predicted to result in protein truncation as the last 366 amino acids are replaced with 24 different amino acids, although loss-of-function variants have not been reported downstream of this position in the protein; Has not been previously published as pathogenic or benign to our knowledge

NM_003107.3(SOX4):c.325_328del (p.Ile109fs)

Gene: SOX4 (SRY-box transcription factor 4; plus strand). Cytogenetic location: 6p22.3.
Variant type: Deletion.
Coding change: c.325_328del on transcript NM_003107.3 (MANE Select); coding-DNA positions 325 to 328, 4 bases deleted (ATTC; older notation c.325_328delATTC).
Protein change: p.Ile109fs; shifts the reading frame from isoleucine 109.
Molecular consequence: frameshift variant.
Genome position (GRCh38, 1-based): chr6:21,594,859-21,594,862, ATTC deleted; deleting any 4 consecutive bases within chr6:21,594,856-21,594,862 gives the same sequence; the c. name uses the placement nearest the transcript's 3' end. VCF-style (leftmost placement, unchanged base first): chr6-21594855-TTTCA-T. GRCh37 (hg19) VCF-style: chr6-21595086-TTTCA-T.
Other names: short protein forms I109fs.
Identifiers: ClinVar variation 2442531 (VCV002442531.1), dbSNP rs2532639439, ClinGen allele CA2580074232.